The following is an entry in ClinVar:

ClinVar aggregate classification (germline): Uncertain significance. Review status: criteria provided, multiple submitters, no conflicts (2 of 4 stars). 3 submissions from 3 submitters: Uncertain significance (3). Last evaluated 2025-12-01.

Conditions:
Hearing impairment. Also called: Impaired Hearing. Identifiers: MedGen C1384666, MONDO:0005365, HP:0000365.

gnomAD v4.1: 10 of 1,610,058 alleles (0.00062%); highest among the groups gnomAD compares: Non-Finnish European, 0.00085%; no homozygotes.

Submissions (3):

Women's Health and Genetics/Laboratory Corporation of America, LabCorp
Classification: Uncertain significance. Last evaluated: 2025-12-01. Review status: criteria provided, single submitter. Criteria: LabCorp Variant Classification Summary - May 2015. Collection method: clinical testing. Allele origin: germline.
Comment: Variant summary: COL9A1 c.82C>T (p.Arg28Cys) results in a non-conservative amino acid change in the encoded protein sequence. Algorithms developed to predict the effect of missense changes on protein structure and function all suggest that this variant is likely to be disruptive. The variant allele was found at a frequency of 4.1e-06 in 245650 control chromosomes. The available data on variant occurrences in the general population are insufficient to allow any conclusion about variant significance. To our knowledge, no occurrence of c.82C>T in individuals affected with COL9A1-related conditions and no experimental evidence demonstrating its impact on protein function have been reported. ClinVar contains an entry for this variant (Variation ID: 1065069). Based on the evidence outlined above, the variant was classified as uncertain significance.

Labcorp Genetics (formerly Invitae), Labcorp
Classification: Uncertain significance. Last evaluated: 2021-08-27. Review status: criteria provided, single submitter. Criteria: Invitae Variant Classification Sherloc (09022015). Collection method: clinical testing. Allele origin: germline.
Comment: This sequence change replaces arginine with cysteine at codon 28 of the COL9A1 protein (p.Arg28Cys). The arginine residue is moderately conserved and there is a large physicochemical difference between arginine and cysteine. This variant is present in population databases (rs745566207, ExAC 0.01%). This variant has not been reported in the literature in individuals affected with COL9A1-related conditions. Advanced modeling of protein sequence and biophysical properties (such as structural, functional, and spatial information, amino acid conservation, physicochemical variation, residue mobility, and thermodynamic stability) performed at Invitae indicates that this missense variant is not expected to disrupt COL9A1 protein function. In summary, the available evidence is currently insufficient to determine the role of this variant in disease. Therefore, it has been classified as a Variant of Uncertain Significance.

Department of Otolaryngology – Head & Neck Surgery, Cochlear Implant Center
Classification: Uncertain significance for Hearing impairment. Last evaluated: 2021-04-12. Review status: criteria provided, single submitter. Criteria: ClinGen HL ACMG Specifications v1. Collection method: clinical testing. Allele origin: germline. Affected: yes.
Comment: PM2_Moderate, PP3_Supporting

NM_001851.6(COL9A1):c.82C>T (p.Arg28Cys)

Gene: COL9A1 (collagen type IX alpha 1 chain; minus strand). Cytogenetic location: 6q13.
Variant type: single nucleotide variant.
Coding change: c.82C>T on transcript NM_001851.6 (MANE Select); coding-DNA position 82, C replaced by T.
Protein change: p.Arg28Cys; replaces arginine 28 with cysteine.
Molecular consequence: missense variant.
Genome position (GRCh38, 1-based): chr6:70,302,007, G>A on the plus strand (C>T on the coding strand, the complement: COL9A1 is on the minus strand). VCF-style: chr6-70302007-G-A. GRCh37 (hg19) VCF-style: chr6-71011710-G-A.
Other names: c.82C>T, p.Arg28Cys (NM_001377291.1); short protein forms R28C.
Identifiers: ClinVar variation 1065069 (VCV001065069.9), dbSNP rs745566207, ClinGen allele CA3882945.
Genomic context (GRCh38, chr6:70,302,007, plus strand): 5'-TGATCATTTCTGGGAATAAGTGATCTTTGAAAGTCTAGAAACTATGGCCCTTACTGGGGC[G>A]ACGCTTGACAGCTGCAGATGCCCAGGGTTCCAGGAAACTGCACACAAAGAAGAAAACTGG-3'
Protein context (NP_001842.3, residues 18-38): EPWASAAVKR[Arg28Cys]PRFPVNSNSN